The following is an entry in ClinVar:

NM_015294.6(TRIM37):c.2512G>C (p.Val838Leu)

Gene: TRIM37 (tripartite motif containing 37; minus strand). Cytogenetic location: 17q22.
Variant type: single nucleotide variant.
Coding change: c.2512G>C on transcript NM_015294.6 (MANE Select); coding-DNA position 2512, G replaced by C.
Protein change: p.Val838Leu; replaces valine 838 with leucine.
Molecular consequence: missense variant. On other transcripts: non-coding transcript variant (2).
Genome position (GRCh38, 1-based): chr17:59,015,674, C>G on the plus strand (G>C on the coding strand, the complement: TRIM37 is on the minus strand). VCF-style: chr17-59015674-C-G. GRCh37 (hg19) VCF-style: chr17-57093035-C-G.
Other names: c.2512G>C, p.Val838Leu (NM_001005207.5, NM_001320988.3, NM_001320989.3 and 1 more transcripts); c.2410G>C, p.Val804Leu (NM_001320987.3, NM_001353082.2); c.2146G>C, p.Val716Leu (NM_001320990.3); c.1777G>C, p.Val593Leu (NM_001353083.2); c.2050G>C, p.Val684Leu (NM_001353085.2); c.2461G>C, p.Val821Leu (NM_001353086.2); short protein forms V684L, V804L, V838L, V593L, V716L, V821L.
Identifiers: ClinVar variation 1904707 (VCV001904707.2), dbSNP rs7222388, ClinGen allele CA400390139.
Genomic context (GRCh38, chr17:59,015,674, plus strand): 5'-AGGTGACCATTTTCCTCCTTTTCTCAACCGCAGGCAAGCCACTGAAAACTGCAACCACAA[C>G]AGCATCTGAATCCAAAGCTTTACACTGCCGGTCTTCAGTTTTTGGCAGAATATCACCGAT-3'
Protein context (NP_056109.1, residues 828-848): RQCKALDSDA[Val838Leu]VVAVFSGLPA

ClinVar aggregate classification (germline): Uncertain significance (1 of 4 stars; one submission).

gnomAD v4.1: 27 of 1,614,128 alleles (0.0017%); highest among the groups gnomAD compares: Non-Finnish European, 0.0022%; no homozygotes.

Submission:

Labcorp Genetics (formerly Invitae), Labcorp
Classification: Uncertain significance. Last evaluated: 2022-05-31. Review status: criteria provided, single submitter. Criteria: Invitae Variant Classification Sherloc (09022015). Collection method: clinical testing. Allele origin: germline.
Comment: This sequence change replaces valine, which is neutral and non-polar, with leucine, which is neutral and non-polar, at codon 838 of the TRIM37 protein (p.Val838Leu). This variant is present in population databases (no rsID available, gnomAD 0.0009%). This variant has not been reported in the literature in individuals affected with TRIM37-related conditions. Algorithms developed to predict the effect of missense changes on protein structure and function output the following: SIFT: "Not Available"; PolyPhen-2: "Benign"; Align-GVGD: "Not Available". The leucine amino acid residue is found in multiple mammalian species, which suggests that this missense change does not adversely affect protein function. In summary, the available evidence is currently insufficient to determine the role of this variant in disease. Therefore, it has been classified as a Variant of Uncertain Significance.